The following is an entry in ClinVar:

ClinVar aggregate classification (germline): Uncertain significance (1 of 4 stars; one submission).

Conditions:
Hypertrophic cardiomyopathy. Also called: HYPERTROPHIC MYOCARDIOPATHY. Identifiers: Orphanet 217569, MedGen C0007194, MeSH D002312, MONDO:0005045, HP:0001639.

Allele frequency attached by ClinVar (database versions not stated): gnomAD exomes below 0.00001.
gnomAD v4.1: 1 of 1,608,164 alleles (0.000062%); highest among the groups gnomAD compares: Admixed American, 0.0017%; no homozygotes.

Submission:

Labcorp Genetics (formerly Invitae), Labcorp
Classification: Uncertain significance for Hypertrophic cardiomyopathy. Last evaluated: 2020-12-22. Review status: criteria provided, single submitter. Criteria: Invitae Variant Classification Sherloc (09022015). Collection method: clinical testing. Allele origin: germline.
Comment: In summary, the available evidence is currently insufficient to determine the role of this variant in disease. Therefore, it has been classified as a Variant of Uncertain Significance. Algorithms developed to predict the effect of missense changes on protein structure and function (SIFT, PolyPhen-2, Align-GVGD) all suggest that this variant is likely to be tolerated, but these predictions have not been confirmed by published functional studies and their clinical significance is uncertain. This variant has not been reported in the literature in individuals with MYOM1-related conditions. This variant is not present in population databases (ExAC no frequency). This sequence change replaces glycine with glutamic acid at codon 838 of the MYOM1 protein (p.Gly838Glu). The glycine residue is moderately conserved and there is a moderate physicochemical difference between glycine and glutamic acid.

NM_003803.4(MYOM1):c.2513G>A (p.Gly838Glu)

Gene: MYOM1 (myomesin 1; minus strand). Cytogenetic location: 18p11.31.
Variant type: single nucleotide variant.
Coding change: c.2513G>A on transcript NM_003803.4 (MANE Select); coding-DNA position 2513, G replaced by A.
Protein change: p.Gly838Glu; replaces glycine 838 with glutamic acid.
Molecular consequence: missense variant. On other transcripts: intron variant (1).
Genome position (GRCh38, 1-based): chr18:3,129,513, C>T on the plus strand (G>A on the coding strand, the complement: MYOM1 is on the minus strand). VCF-style: chr18-3129513-C-T. GRCh37 (hg19) VCF-style: chr18-3129511-C-T.
Other names: c.2506+1862G>A (NM_019856.2); short protein forms G838E.
Identifiers: ClinVar variation 1481013 (VCV001481013.8), dbSNP rs2143879947, ClinGen allele CA401710794.